The following is an entry in ClinVar:

ClinVar aggregate classification (germline): Uncertain significance (1 of 4 stars; one submission).

Conditions:
GNAS-related disorder. Identifiers: MedGen CN380105.

gnomAD v4.1: 1 of 1,613,746 alleles (0.000062%); highest among the groups gnomAD compares: Non-Finnish European, 0.000085%; no homozygotes.

Submission:

PreventionGenetics, part of Exact Sciences
Classification: Uncertain significance for GNAS-related condition. Last evaluated: 2026-09-03. Review status: criteria provided, single submitter. Criteria: ACMG Guidelines, 2015. Collection method: clinical testing. Allele origin: germline.
Comment: The GNAS c.300C>A variant is predicted to result in premature protein termination (p.Cys100*). This variant corresponds to a pre-coding position in an alternate transcript for this gene (NM_000516:c.-37975C>A). To our knowledge, this variant has not been reported in the literature or in a large population database (gnomAD), indicating this variant is rare. At this time, the clinical significance of this variant is uncertain due to the absence of conclusive functional and genetic evidence.

NM_080425.4(GNAS):c.487C>A (p.Pro163Thr)

Gene: GNAS (GNAS complex locus; plus strand). Cytogenetic location: 20q13.32.
Variant type: single nucleotide variant.
Coding change: c.487C>A on transcript NM_080425.4 (MANE Plus Clinical); coding-DNA position 487, C replaced by A.
Protein change: p.Pro163Thr; replaces proline 163 with threonine.
Molecular consequence: missense variant. On other transcripts: nonsense (2), intron variant (3).
Genome position (GRCh38, 1-based): chr20:58,853,752, C>A. VCF-style: chr20-58853752-C-A. GRCh37 (hg19) VCF-style: chr20-57428807-C-A.
Other names: c.300C>A, p.Cys100Ter (NM_001077490.3, NM_001309883.1); c.487C>A, p.Pro163Thr (NM_001410913.1); c.*42+12866C>A (NM_016592.5); c.43+12866C>A (NM_001410912.1); c.-39+11877C>A (NM_001309861.2); short protein forms C100*, P163T.
Identifiers: ClinVar variation 4996151 (VCV004996151.1).
Genomic context (GRCh38, chr20:58,853,752, plus strand): 5'-GCCTTCAGTGGTGCCAGACCAGGCCTGGGAGGATACAGCCCTCCACCAGAAGAAGCTATG[C>A]CCTTTGAGTTTGACCAGCCTGCCCAGAGAGGCTGCAGTCAACTTCTCTTACAGGTCCCAG-3'
Protein context (NP_536350.2, residues 153-173): GYSPPPEEAM[Pro163Thr]FEFDQPAQRG